The following is an entry in ClinVar:

ClinVar aggregate classification (germline): Conflicting classifications of pathogenicity. Review status: criteria provided, conflicting classifications (1 of 4 stars). 3 submissions from 3 submitters: Pathogenic (1); Uncertain significance (1). 1 of the submissions does not count toward it. Last evaluated 2024-06-07.

Conditions:
Mucopolysaccharidosis, MPS-II (MPS2). Also called: IDS deficiency; Sulfoiduronate sulfatase deficiency; SIDS deficiency; Hunter Syndrome; IDURONATE 2-SULFATASE DEFICIENCY; Mucopolysaccharidosis Type II. Identifiers: Orphanet 580, Orphanet 79388, MedGen C0026705, MONDO:0010674, OMIM 309900.

Submissions (3):

Laboratory of Diagnosis and Therapy of Lysosomal Disorders, University of Padova
Classification: Pathogenic for Mucopolysaccharidosis, MPS-II. Last evaluated: 2024-06-07. Review status: criteria provided, single submitter. Criteria: ACMG Guidelines, 2015. Collection method: literature only. Allele origin: germline. Affected: yes. Observed: 10 variant alleles.
Comment: Prevalence of the variant significantly increased in affected individuals compared with controls (PS4_Moderate), Absent from controls (or at low frequency) in gnomAD database (PM2_Moderate), Protein length changes in a nonrepeat region or stop–loss variants (PM4_Strong), Multiple lines of computational evidence support a deleterious effect (PP3_Supporting), Patient’s phenotype or family history highly specific for the disease (PP4_Moderate)

Classification method: ACMG Guidelines [PMID:25741868] with modifications

Neuberg Centre For Genomic Medicine, NCGM
Classification: Uncertain significance for Mucopolysaccharidosis, MPS-II. Review status: criteria provided, single submitter. Criteria: ACMG Guidelines, 2015. Collection method: clinical testing. Allele origin: germline. Inheritance: X-linked inheritance. Affected: yes.
Comment: The inframe deletion variant p.R4Q in LIPA (NM_000235.4) in IDS gene has been submitted to ClinVar as Likely Pathogenic, but no details are available for independent assessment. It has not been reported in affected individuals. The p.Leu41del variant is novel (not in any individuals) in gnomAD Exomes and 1000 Genomes. This p.Leu41del causes deletion of amino acid Leucine at position 41. Since this inframe deletion/insertion is not expected to cause protein truncation, the above variant has been classified as Variant of Uncertain Significance (VUS).

Division of Medical Genetics, Department of Pediatrics, All India Institute of Medical Sciences, New Delhi
Classification: Likely pathogenic for Mucopolysaccharidosis, MPS-II. Last evaluated: 2014-05-01. Review status: no assertion criteria provided. Collection method: research. Allele origin: germline. Inheritance: X-linked recessive inheritance. Affected: yes. Observed: 1 variant allele, 1 hemizygote. Not counted in ClinVar's aggregate classification.
Comment: The variant c.121_123delCTC (p.L41del) was found to be a small in-frame deletion, where the peptide sequence gets shortened by an aliphatic nonpolar neutral amino acid, Leucine at 41 position.

Literature cited by the submitters: PubMed 35144014 (cited by Laboratory of Diagnosis and Therapy of Lysosomal Disorders, University of Padova); PubMed 27883178 (cited by Laboratory of Diagnosis and Therapy of Lysosomal Disorders, University of Padova); PubMed 35005816 (cited by Laboratory of Diagnosis and Therapy of Lysosomal Disorders, University of Padova); PubMed 12655569 (cited by Laboratory of Diagnosis and Therapy of Lysosomal Disorders, University of Padova); PubMed 27246110 (cited by Laboratory of Diagnosis and Therapy of Lysosomal Disorders, University of Padova); PubMed 33676511 (cited by Laboratory of Diagnosis and Therapy of Lysosomal Disorders, University of Padova); PubMed 21291454 (cited by Laboratory of Diagnosis and Therapy of Lysosomal Disorders, University of Padova); PubMed 30639582 (cited by Laboratory of Diagnosis and Therapy of Lysosomal Disorders, University of Padova); PubMed 36945845 (cited by Laboratory of Diagnosis and Therapy of Lysosomal Disorders, University of Padova).

NM_000202.8(IDS):c.121_123del (p.Leu41del)

Gene: IDS (iduronate 2-sulfatase; minus strand). Cytogenetic location: Xq28.
Variant type: Deletion.
Coding change: c.121_123del on transcript NM_000202.8 (MANE Select); coding-DNA positions 121 to 123, 3 bases deleted (CTC; older notation c.121_123delCTC).
Protein change: p.Leu41del; deletes leucine 41.
Molecular consequence: inframe deletion. On other transcripts: 5 prime UTR variant (1), non-coding transcript variant (1).
Genome position (GRCh38, 1-based): chrX:149,504,274-149,504,276, GAG deleted on the plus strand (CTC on the coding strand, the reverse complement: IDS is on the minus strand). VCF-style (leftmost placement, unchanged base first): chrX-149504273-TGAG-T. GRCh37 (hg19) VCF-style: chrX-148585803-TGAG-T.
Other names: c.-106_-104del (NM_001166550.4); c.121_123del, p.Leu41del (NM_006123.5); c.121_123delCTC (NM_000202.8); short protein forms L41del.
Identifiers: ClinVar variation 1065310 (VCV001065310.3), dbSNP rs2124066296, ClinGen allele CA2499226403.